The following is an entry in ClinVar:

NM_018051.5(DYNC2I1):c.990+3A>T

Gene: DYNC2I1 (dynein 2 intermediate chain 1; plus strand). Cytogenetic location: 7q36.3.
Variant type: single nucleotide variant.
Coding change: c.990+3A>T on transcript NM_018051.5 (MANE Select); 3 bases into the intron after coding-DNA position 990, A replaced by T.
Molecular consequence: intron variant.
Genome position (GRCh38, 1-based): chr7:158,887,078, A>T. VCF-style: chr7-158887078-A-T. GRCh37 (hg19) VCF-style: chr7-158679769-A-T.
Other names: c.852+3A>T (NM_001350914.2); c.-496+3A>T (NM_001350918.2); c.-377+3A>T (NM_001350917.2); c.-369+3A>T (NM_001350916.2); c.417+3A>T (NM_001350915.2).
Identifiers: ClinVar variation 968954 (VCV000968954.7), dbSNP rs374608321, ClinGen allele CA4594474.

ClinVar aggregate classification (germline): Uncertain significance (1 of 4 stars; one submission).

Conditions:
Short-rib thoracic dysplasia 8 with or without polydactyly (SRTD8). Also called: SHORT-RIB THORACIC DYSPLASIA 8 WITH POLYDACTYLY. Identifiers: Orphanet 93271, MedGen C3809691, MONDO:0014214, OMIM 615503.

Allele frequency attached by ClinVar (database versions not stated): gnomAD exomes 0.00005 and 0.00012; ExAC 0.00006; gnomAD 0.00010 and 0.00011; TOPMed 0.00009; ESP Exome Variant Server 0.00017.
gnomAD v4.1: 195 of 1,613,188 alleles (0.012%); highest among the groups gnomAD compares: Non-Finnish European, 0.016%; no homozygotes.

Submissions (3):

Labcorp Genetics (formerly Invitae), Labcorp
Classification: Uncertain significance for Short-rib thoracic dysplasia 8 with or without polydactyly. Last evaluated: 2024-10-22. Review status: criteria provided, single submitter. Criteria: Invitae Variant Classification Sherloc (09022015). Collection method: clinical testing. Allele origin: germline.
Comment: This sequence change falls in intron 7 of the WDR60 gene. It does not directly change the encoded amino acid sequence of the WDR60 protein. It affects a nucleotide within the consensus splice site. This variant is present in population databases (rs374608321, gnomAD 0.01%). This variant has not been reported in the literature in individuals affected with WDR60-related conditions. ClinVar contains an entry for this variant (Variation ID: 968954). Variants that disrupt the consensus splice site are a relatively common cause of aberrant splicing (PMID: 17576681, 9536098). Algorithms developed to predict the effect of sequence changes on RNA splicing suggest that this variant may disrupt the consensus splice site. In summary, the available evidence is currently insufficient to determine the role of this variant in disease. Therefore, it has been classified as a Variant of Uncertain Significance.

Dr. Peter K. Rogan Lab, Western University
No classification provided (evidence only). Condition: Clear cell carcinoma of kidney. Review status: no classification provided. Collection method: in vitro. Allele origin: not applicable. Functional consequence: skipped exon, retained intron. Not counted in ClinVar's aggregate classification.

Dr. Peter K. Rogan Lab, Western University
No classification provided (evidence only). Condition: Lung cancer. Review status: no classification provided. Collection method: in vitro. Allele origin: not applicable. Functional consequence: skipped exon, retained intron. Not counted in ClinVar's aggregate classification.

Literature cited by the submitters: PubMed 17576681 (cited by Labcorp Genetics (formerly Invitae), Labcorp); PubMed 9536098 (cited by Labcorp Genetics (formerly Invitae), Labcorp).